The following is an entry in ClinVar:

NM_080680.3(COL11A2):c.4064C>T (p.Pro1355Leu)

Gene: COL11A2 (collagen type XI alpha 2 chain; minus strand). Cytogenetic location: 6p21.32.
Variant type: single nucleotide variant.
Coding change: c.4064C>T on transcript NM_080680.3 (MANE Select); coding-DNA position 4064, C replaced by T.
Protein change: p.Pro1355Leu; replaces proline 1355 with leucine.
Molecular consequence: missense variant.
Genome position (GRCh38, 1-based): chr6:33,167,484, G>A on the plus strand (C>T on the coding strand, the complement: COL11A2 is on the minus strand). VCF-style: chr6-33167484-G-A. GRCh37 (hg19) VCF-style: chr6-33135261-G-A.
Other names: c.3884C>T, p.Pro1295Leu (NM_001424108.1); c.3218C>T, p.Pro1073Leu (NM_001424109.1); c.3038C>T, p.Pro1013Leu (NM_001424110.1, NM_001424111.1); c.2018C>T, p.Pro673Leu (NM_001424112.1); c.3743C>T, p.Pro1248Leu (NM_080679.3); c.3806C>T, p.Pro1269Leu (NM_080681.3); short protein forms P1269L, P1355L, P1073L, P1248L, P673L, P1013L, P1295L.
Identifiers: ClinVar variation 2741997 (VCV002741997.2), dbSNP rs1182240980, ClinGen allele CA363623484.

ClinVar aggregate classification (germline): Uncertain significance. Review status: criteria provided, multiple submitters, no conflicts (2 of 4 stars). 2 submissions from 2 submitters: Uncertain significance (2). Last evaluated 2025-12-26.

gnomAD v4.1: 1 of 1,612,862 alleles (0.000062%); highest among the groups gnomAD compares: Non-Finnish European, 0.000085%; no homozygotes.

Submissions (2):

Women's Health and Genetics/Laboratory Corporation of America, LabCorp
Classification: Uncertain significance. Last evaluated: 2025-12-26. Review status: criteria provided, single submitter. Criteria: LabCorp Variant Classification Summary - May 2015. Collection method: clinical testing. Allele origin: germline.
Comment: Variant summary: COL11A2 c.4064C>T (p.Pro1355Leu) results in a non-conservative amino acid change in the encoded protein sequence. Algorithms developed to predict the effect of missense changes on protein structure and function all suggest that this variant is likely to be disruptive. The variant was absent in 242440 control chromosomes. The available data on variant occurrences in the general population are insufficient to allow any conclusion about variant significance. To our knowledge, no occurrence of c.4064C>T in individuals affected with COL11A2-related conditions and no experimental evidence demonstrating its impact on protein function have been reported. ClinVar contains an entry for this variant (Variation ID: 2741997). Based on the evidence outlined above, the variant was classified as uncertain significance.

Labcorp Genetics (formerly Invitae), Labcorp
Classification: Uncertain significance. Last evaluated: 2022-11-16. Review status: criteria provided, single submitter. Criteria: Invitae Variant Classification Sherloc (09022015). Collection method: clinical testing. Allele origin: germline.
Comment: Advanced modeling of protein sequence and biophysical properties (such as structural, functional, and spatial information, amino acid conservation, physicochemical variation, residue mobility, and thermodynamic stability) performed at Invitae indicates that this missense variant is not expected to disrupt COL11A2 protein function. In summary, the available evidence is currently insufficient to determine the role of this variant in disease. Therefore, it has been classified as a Variant of Uncertain Significance. This variant has not been reported in the literature in individuals affected with COL11A2-related conditions. This variant is not present in population databases (gnomAD no frequency). This sequence change replaces proline, which is neutral and non-polar, with leucine, which is neutral and non-polar, at codon 1355 of the COL11A2 protein (p.Pro1355Leu).